The following is an entry in ClinVar:

ClinVar aggregate classification (germline): Uncertain significance (1 of 4 stars; one submission).

Submission:

Ambry Genetics
Classification: Uncertain significance. Last evaluated: 2025-06-14. Review status: criteria provided, single submitter. Criteria: Ambry Variant Classification Scheme 2023. Collection method: clinical testing. Allele origin: germline.
Comment: The p.P654S variant (also known as c.1960C>T), located in coding exon 8 of the WNK2 gene, results from a C to T substitution at nucleotide position 1960. The proline at codon 654 is replaced by serine, an amino acid with similar properties. This amino acid position is conserved. In addition, the in silico prediction for this alteration is inconclusive. Based on the available evidence, the clinical significance of this variant remains unclear.

NM_006648.4(WNK2):c.1960C>T (p.Pro654Ser)

Gene: WNK2 (WNK lysine deficient protein kinase 2; plus strand). Cytogenetic location: 9q22.31.
Variant type: single nucleotide variant.
Coding change: c.1960C>T on transcript NM_006648.4 (MANE Select); coding-DNA position 1960, C replaced by T.
Protein change: p.Pro654Ser; replaces proline 654 with serine.
Molecular consequence: missense variant.
Genome position (GRCh38, 1-based): chr9:93,253,008, C>T. VCF-style: chr9-93253008-C-T. GRCh37 (hg19) VCF-style: chr9-96015290-C-T.
Other names: c.1960C>T, p.Pro654Ser (NM_001282394.3); short protein forms P654S.
Identifiers: ClinVar variation 3982217 (VCV003982217.1).